The following is an entry in ClinVar:

ClinVar aggregate classification (germline): Uncertain significance. Review status: criteria provided, multiple submitters, no conflicts (2 of 4 stars). 2 submissions from 2 submitters: Uncertain significance (2). Last evaluated 2025-05-05.

Allele frequency attached by ClinVar (database versions not stated): gnomAD exomes below 0.00001; ExAC 0.00001; TOPMed 0.00001.

Submissions (2):

Labcorp Genetics (formerly Invitae), Labcorp
Classification: Uncertain significance. Last evaluated: 2025-05-05. Review status: criteria provided, single submitter. Criteria: Invitae Variant Classification Sherloc (09022015). Collection method: clinical testing. Allele origin: germline.
Comment: This sequence change replaces proline, which is neutral and non-polar, with serine, which is neutral and polar, at codon 133 of the SLC25A42 protein (p.Pro133Ser). This variant is present in population databases (rs748090374, gnomAD no frequency). This variant has not been reported in the literature in individuals affected with SLC25A42-related conditions. ClinVar contains an entry for this variant (Variation ID: 1360536). Invitae Evidence Modeling of protein sequence and biophysical properties (such as structural, functional, and spatial information, amino acid conservation, physicochemical variation, residue mobility, and thermodynamic stability) indicates that this missense variant is not expected to disrupt SLC25A42 protein function with a negative predictive value of 80%. In summary, the available evidence is currently insufficient to determine the role of this variant in disease. Therefore, it has been classified as a Variant of Uncertain Significance.

Breakthrough Genomics
Classification: Uncertain significance. Review status: criteria provided, single submitter. Criteria: ACMG Guidelines, 2015. Collection method: not provided. Allele origin: germline. Inheritance: Autosomal dominant inheritance. Affected: yes.

NM_178526.5(SLC25A42):c.397C>T (p.Pro133Ser)

Gene: SLC25A42 (solute carrier family 25 member 42; plus strand). Cytogenetic location: 19p13.11.
Variant type: single nucleotide variant.
Coding change: c.397C>T on transcript NM_178526.5 (MANE Select); coding-DNA position 397, C replaced by T.
Protein change: p.Pro133Ser; replaces proline 133 with serine.
Molecular consequence: missense variant.
Genome position (GRCh38, 1-based): chr19:19,106,285, C>T. VCF-style: chr19-19106285-C-T. GRCh37 (hg19) VCF-style: chr19-19217094-C-T.
Other names: c.397C>T, p.Pro133Ser (NM_001321544.2); short protein forms P133S.
Identifiers: ClinVar variation 1360536 (VCV001360536.9), dbSNP rs748090374, ClinGen allele CA9321473.